The following is an entry in ClinVar:

ClinVar aggregate classification (germline): Uncertain significance. Review status: criteria provided, multiple submitters, no conflicts (2 of 4 stars). 2 submissions from 2 submitters: Uncertain significance (2). Last evaluated 2025-03-17.

Allele frequency attached by ClinVar (database versions not stated): ESP Exome Variant Server 0.00008; ExAC 0.00037; gnomAD exomes 0.00023.

Submissions (2):

Ambry Genetics
Classification: Uncertain significance. Last evaluated: 2025-03-17. Review status: criteria provided, single submitter. Criteria: Ambry Variant Classification Scheme 2023. Collection method: clinical testing. Allele origin: germline.

Labcorp Genetics (formerly Invitae), Labcorp
Classification: Uncertain significance. Last evaluated: 2021-08-28. Review status: criteria provided, single submitter. Criteria: Invitae Variant Classification Sherloc (09022015). Collection method: clinical testing. Allele origin: germline.
Comment: This sequence change replaces threonine with methionine at codon 218 of the NSMCE2 protein (p.Thr218Met). The threonine residue is moderately conserved and there is a moderate physicochemical difference between threonine and methionine. This variant is present in population databases (rs201930510, ExAC 0.07%). This variant has not been reported in the literature in individuals affected with NSMCE2-related conditions. Algorithms developed to predict the effect of missense changes on protein structure and function are either unavailable or do not agree on the potential impact of this missense change (SIFT: "Deleterious"; PolyPhen-2: "Benign"; Align-GVGD: "Class C0"). In summary, the available evidence is currently insufficient to determine the role of this variant in disease. Therefore, it has been classified as a Variant of Uncertain Significance.

NM_173685.4(NSMCE2):c.653C>T (p.Thr218Met)

Gene: NSMCE2 (NSE2 SUMO ligase component of SMC5/6 complex; plus strand). Cytogenetic location: 8q24.13.
Variant type: single nucleotide variant.
Coding change: c.653C>T on transcript NM_173685.4 (MANE Select); coding-DNA position 653, C replaced by T.
Protein change: p.Thr218Met; replaces threonine 218 with methionine.
Molecular consequence: missense variant. On other transcripts: non-coding transcript variant (1).
Genome position (GRCh38, 1-based): chr8:125,366,794, C>T. VCF-style: chr8-125366794-C-T. GRCh37 (hg19) VCF-style: chr8-126379036-C-T.
Other names: c.653C>T, p.Thr218Met (NM_001349485.2, NM_001349486.2); c.653C>T (NM_173685.2); short protein forms T218M.
Identifiers: ClinVar variation 1416339 (VCV001416339.7), dbSNP rs201930510, ClinGen allele CA4874473.